The following is an entry in ClinVar:

NM_001377.3(DYNC2H1):c.11705T>C (p.Ile3902Thr)

Gene: DYNC2H1 (dynein cytoplasmic 2 heavy chain 1; plus strand). Cytogenetic location: 11q22.3.
Variant type: single nucleotide variant.
Coding change: c.11705T>C on transcript NM_001377.3 (MANE Select); coding-DNA position 11705, T replaced by C.
Protein change: p.Ile3902Thr; replaces isoleucine 3902 with threonine.
Molecular consequence: missense variant.
Genome position (GRCh38, 1-based): chr11:103,316,600, T>C. VCF-style: chr11-103316600-T-C. GRCh37 (hg19) VCF-style: chr11-103187329-T-C.
Other names: c.11726T>C, p.Ile3909Thr (NM_001080463.2); short protein forms I3902T, I3909T.
Identifiers: ClinVar variation 1802076 (VCV001802076.1), dbSNP rs1937859190, ClinGen allele CA382266745.

ClinVar aggregate classification (germline): Uncertain significance (1 of 4 stars; one submission).

Allele frequency attached by ClinVar (database versions not stated): TOPMed below 0.00001.

Submission:

GeneDx
Classification: Uncertain significance. Last evaluated: 2022-06-03. Review status: criteria provided, single submitter. Criteria: GeneDx Variant Classification Process June 2021. Collection method: clinical testing. Allele origin: germline. Affected: yes.
Comment: Not observed at significant frequency in large population cohorts (gnomAD); In silico analysis supports that this missense variant has a deleterious effect on protein structure/function; Has not been previously published as pathogenic or benign to our knowledge